The following is an entry in ClinVar:

ClinVar aggregate classification (germline): Uncertain significance. Review status: criteria provided, multiple submitters, no conflicts (2 of 4 stars). 3 submissions from 3 submitters: Uncertain significance (2). 1 of the submissions does not count toward it. Last evaluated 2022-05-03.

Conditions:
Usher syndrome type 2A. Also called: RETINAL DISEASE IN USHER SYNDROME TYPE IIA, MODIFIER OF; USHER SYNDROME, TYPE IIA. Identifiers: Orphanet 231178, Orphanet 886, MedGen C1848634, MONDO:0010169, OMIM 276901.

Allele frequency attached by ClinVar (database versions not stated): gnomAD exomes below 0.00001; gnomAD 0.00001 and 0.00002; TOPMed 0.00002.
gnomAD v4.1: 5 of 1,613,724 alleles (0.00031%); highest among the groups gnomAD compares: African/African-American, 0.0027%; no homozygotes.

Submissions (3):

Blueprint Genetics
Classification: Uncertain significance. Last evaluated: 2022-05-03. Review status: criteria provided, single submitter. Criteria: ACMG Guidelines, 2015. Collection method: clinical testing. Allele origin: germline.

Labcorp Genetics (formerly Invitae), Labcorp
Classification: Uncertain significance. Last evaluated: 2022-03-10. Review status: criteria provided, single submitter. Criteria: Invitae Variant Classification Sherloc (09022015). Collection method: clinical testing. Allele origin: germline.
Comment: This sequence change replaces serine, which is neutral and polar, with phenylalanine, which is neutral and non-polar, at codon 2066 of the USH2A protein (p.Ser2066Phe). This variant is not present in population databases (gnomAD no frequency). This variant has not been reported in the literature in individuals affected with USH2A-related conditions. ClinVar contains an entry for this variant (Variation ID: 1052568). Algorithms developed to predict the effect of missense changes on protein structure and function are either unavailable or do not agree on the potential impact of this missense change (SIFT: "Deleterious"; PolyPhen-2: "Possibly Damaging"; Align-GVGD: "Class C0"). In summary, the available evidence is currently insufficient to determine the role of this variant in disease. Therefore, it has been classified as a Variant of Uncertain Significance.

Natera, Inc.
Classification: Uncertain significance for Usher syndrome type 2A. Last evaluated: 2020-01-24. Review status: no assertion criteria provided. Collection method: clinical testing. Allele origin: germline. Not counted in ClinVar's aggregate classification.

NM_206933.4(USH2A):c.6197C>T (p.Ser2066Phe)

Gene: USH2A (usherin; minus strand). Cytogenetic location: 1q41.
Variant type: single nucleotide variant.
Coding change: c.6197C>T on transcript NM_206933.4 (MANE Select); coding-DNA position 6197, C replaced by T.
Protein change: p.Ser2066Phe; replaces serine 2066 with phenylalanine.
Molecular consequence: missense variant.
Genome position (GRCh38, 1-based): chr1:216,046,559, G>A on the plus strand (C>T on the coding strand, the complement: USH2A is on the minus strand). VCF-style: chr1-216046559-G-A. GRCh37 (hg19) VCF-style: chr1-216219901-G-A.
Other names: short protein forms S2066F.
Identifiers: ClinVar variation 1052568 (VCV001052568.4), dbSNP rs2030530878, ClinGen allele CA344859097.
Genomic context (GRCh38, chr1:216,046,559, plus strand): 5'-GTTATAATACCATTTGCCTTTTTGGGTGGGTTCCAGGAGAGCAGCAAAGAACTGGGAAGG[G>A]ATTTGGCTACTGGTGGCTGAACCTCTTGTGGGGCTGTGGAAGAAAAGATTTATAGAGTCT-3'
Protein context (NP_996816.3, residues 2056-2076): PQEVQPPVAK[Ser2066Phe]LPSSLLLSWN